The following is an entry in ClinVar:

NM_198253.3(TERT):c.2844-11_2844-10del

Gene: TERT (telomerase reverse transcriptase; minus strand). Cytogenetic location: 5p15.33.
Variant type: Deletion.
Coding change: c.2844-11_2844-10del on transcript NM_198253.3 (MANE Select); 11 bases into the intron before coding-DNA position 2844 through 10 bases into the intron before coding-DNA position 2844, 2 bases deleted (CT; older notation c.2844-11_2844-10delCT).
Molecular consequence: intron variant.
Genome position (GRCh38, 1-based): chr5:1,260,610-1,260,611, AG deleted on the plus strand (CT on the coding strand, the reverse complement: TERT is on the minus strand). VCF-style (leftmost placement, unchanged base first): chr5-1260609-CAG-C. GRCh37 (hg19) VCF-style: chr5-1260724-CAG-C.
Other names: c.2655-11_2655-10del (NM_001193376.3); c.2844-11_2844-10delCT (NM_198253.2).
Identifiers: ClinVar variation 436982 (VCV000436982.20), dbSNP rs773793700, ClinGen allele CA3184362.

ClinVar aggregate classification (germline): Conflicting classifications of pathogenicity. Review status: criteria provided, conflicting classifications (1 of 4 stars). 5 submissions from 5 submitters: Uncertain significance (2); Likely benign (3). Last evaluated 2026-01-18.

Conditions:
Dyskeratosis congenita, autosomal dominant 2. Identifiers: MedGen C3151443, MONDO:0013521, OMIM 613989.
Idiopathic Pulmonary Fibrosis. Also called: Idiopathic fibrosing alveolitis, chronic form; idiopathic fibrosing alveolitis. Identifiers: Orphanet 2032, MedGen C1800706, MeSH D054990, MONDO:0800504.

Allele frequency attached by ClinVar (database versions not stated): gnomAD 0.00001; gnomAD exomes 0.00001; ExAC 0.00002.

Submissions (5):

Labcorp Genetics (formerly Invitae), Labcorp
Classification: Likely benign for Dyskeratosis congenita, autosomal dominant 2; Idiopathic Pulmonary Fibrosis. Last evaluated: 2026-01-18. Review status: criteria provided, single submitter. Criteria: Invitae Variant Classification Sherloc (09022015). Collection method: clinical testing. Allele origin: germline.

ARUP Laboratories, Molecular Genetics and Genomics, ARUP Laboratories
Classification: Likely benign. Last evaluated: 2025-02-07. Review status: criteria provided, single submitter. Criteria: ARUP Molecular Germline Variant Investigation Process 2024. Collection method: clinical testing. Allele origin: germline.

GeneDx
Classification: Uncertain significance. Last evaluated: 2024-01-10. Review status: criteria provided, single submitter. Criteria: GeneDx Variant Classification Process June 2021. Collection method: clinical testing. Allele origin: germline. Affected: yes.
Comment: In silico analysis is inconclusive as to whether the variant alters gene splicing. In the absence of RNA/functional studies, the actual effect of this sequence change is unknown.; Has not been previously published as pathogenic or benign to our knowledge

Blueprint Genetics
Classification: Likely benign. Last evaluated: 2023-06-19. Review status: criteria provided, single submitter. Criteria: ACMG Guidelines, 2015. Collection method: clinical testing. Allele origin: germline.

Genetic Services Laboratory, University of Chicago
Classification: Uncertain significance. Last evaluated: 2017-04-17. Review status: criteria provided, single submitter. Criteria: ACMG Guidelines, 2015. Collection method: clinical testing. Allele origin: germline. Affected: no.